The following is an entry in ClinVar:

NM_005876.5(SPEG):c.2950A>C (p.Met984Leu)

Gene: SPEG (striated muscle enriched protein kinase; plus strand). Cytogenetic location: 2q35.
Variant type: single nucleotide variant.
Coding change: c.2950A>C on transcript NM_005876.5 (MANE Select); coding-DNA position 2950, A replaced by C.
Protein change: p.Met984Leu; replaces methionine 984 with leucine.
Molecular consequence: missense variant.
Genome position (GRCh38, 1-based): chr2:219,467,242, A>C. VCF-style: chr2-219467242-A-C. GRCh37 (hg19) VCF-style: chr2-220331964-A-C.
Other names: short protein forms M984L.
Identifiers: ClinVar variation 1351588 (VCV001351588.3), dbSNP rs761482847, ClinGen allele CA350742299.

ClinVar aggregate classification (germline): Uncertain significance (1 of 4 stars; one submission).

Allele frequency attached by ClinVar (database versions not stated): TOPMed below 0.00001.
gnomAD v4.1: 5 of 1,605,828 alleles (0.00031%); highest among the groups gnomAD compares: Admixed American, 0.0083%; no homozygotes.

Submission:

Labcorp Genetics (formerly Invitae), Labcorp
Classification: Uncertain significance. Last evaluated: 2022-04-03. Review status: criteria provided, single submitter. Criteria: Invitae Variant Classification Sherloc (09022015). Collection method: clinical testing. Allele origin: germline.
Comment: This sequence change replaces methionine, which is neutral and non-polar, with leucine, which is neutral and non-polar, at codon 984 of the SPEG protein (p.Met984Leu). This variant is present in population databases (no rsID available, gnomAD 0.006%). This variant has not been reported in the literature in individuals affected with SPEG-related conditions. Algorithms developed to predict the effect of missense changes on protein structure and function (SIFT, PolyPhen-2, Align-GVGD) all suggest that this variant is likely to be tolerated. In summary, the available evidence is currently insufficient to determine the role of this variant in disease. Therefore, it has been classified as a Variant of Uncertain Significance.